The following is an entry in ClinVar:

NM_000179.3(MSH6):c.3968T>C (p.Phe1323Ser)

Gene: MSH6 (mutS homolog 6; plus strand). Cytogenetic location: 2p16.3.
Variant type: single nucleotide variant.
Coding change: c.3968T>C on transcript NM_000179.3 (MANE Select); coding-DNA position 3968, T replaced by C.
Protein change: p.Phe1323Ser; replaces phenylalanine 1323 with serine.
Molecular consequence: missense variant.
Genome position (GRCh38, 1-based): chr2:47,806,618, T>C. VCF-style: chr2-47806618-T-C. GRCh37 (hg19) VCF-style: chr2-48033757-T-C.
Other names: c.3578T>C, p.Phe1193Ser (NM_001281492.2); c.3062T>C, p.Phe1021Ser (NM_001281493.2, NM_001281494.2); short protein forms F1323S, F1193S, F1021S.
Identifiers: ClinVar variation 428382 (VCV000428382.27), dbSNP rs1051564593, ClinGen allele CA46719891.

ClinVar aggregate classification (germline): Conflicting classifications of pathogenicity. Review status: criteria provided, conflicting classifications (1 of 4 stars). 7 submissions from 7 submitters: Uncertain significance (5); Likely benign (2). Last evaluated 2026-01-02.

Conditions:
Lynch syndrome. Identifiers: Orphanet 144, MedGen C4552100, MONDO:0005835. Disease mechanism: loss of function.
Hereditary cancer-predisposing syndrome. Also called: Hereditary Cancer Syndrome; Neoplastic Syndromes, Hereditary; Hereditary neoplastic syndrome; Tumor predisposition. Identifiers: Orphanet 140162, MedGen C0027672, MeSH D009386, MONDO:0015356.
Lynch syndrome 5 (LYNCH5). Also called: Hereditary non-polyposis colorectal cancer, type 5; Colorectal cancer, hereditary nonpolyposis, type 5. Identifiers: Orphanet 144, MedGen C1833477, MONDO:0013710, OMIM 614350. Disease mechanism: loss of function.
Hereditary nonpolyposis colorectal neoplasms. Identifiers: MedGen C0009405, MeSH D003123.
Endometrial carcinoma. Also called: Endometrial carcinoma, somatic. Identifiers: MedGen C0476089, MONDO:0002447, OMIM 608089, HP:0012114.

Allele frequency attached by ClinVar (database versions not stated): gnomAD 0.00003.
gnomAD v4.1: 9 of 1,612,362 alleles (0.00056%); highest among the groups gnomAD compares: African/African-American, 0.0027%; no homozygotes.

Submissions (7):

Labcorp Genetics (formerly Invitae), Labcorp
Classification: Likely benign for Hereditary nonpolyposis colorectal neoplasms. Last evaluated: 2026-01-02. Review status: criteria provided, single submitter. Criteria: Invitae Variant Classification Sherloc (09022015). Collection method: clinical testing. Allele origin: germline.

Ambry Genetics
Classification: Uncertain significance for Hereditary cancer-predisposing syndrome. Last evaluated: 2025-02-05. Review status: criteria provided, single submitter. Criteria: Ambry Variant Classification Scheme 2023. Collection method: clinical testing. Allele origin: germline.
Comment: The p.F1323S variant (also known as c.3968T>C), located in coding exon 9 of the MSH6 gene, results from a T to C substitution at nucleotide position 3968. The phenylalanine at codon 1323 is replaced by serine, an amino acid with highly dissimilar properties. This amino acid position is highly conserved in available vertebrate species. In addition, this alteration is predicted to be deleterious by in silico analysis. Since supporting evidence is limited at this time, the clinical significance of this alteration remains unclear.

All of Us Research Program, National Institutes of Health
Classification: Uncertain significance for Lynch syndrome. Last evaluated: 2024-02-22. Review status: criteria provided, single submitter. Criteria: ACMG Guidelines, 2015. Collection method: clinical testing. Allele origin: germline. Inheritance: Autosomal dominant inheritance. Observed: 3 variant alleles, 3 heterozygotes.
Comment: This missense variant replaces phenylalanine with serine at codon 1323 in the MSH6 protein. Computational prediction suggests that this variant may have deleterious impact on protein structure and function (internally defined REVEL score threshold >= 0.7, PMID: 27666373). To our knowledge, functional studies have not been reported for this variant. This variant has been reported in an individual affected with breast cancer (PMID: 36200007). This variant has been identified in 1/31372 chromosomes in the general population by the Genome Aggregation Database (gnomAD). The available evidence is insufficient to determine the role of this variant in disease conclusively. Therefore, this variant is classified as a Variant of Uncertain Significance.

This study involves interpretation of variants in research participants for the purpose of population health screening. Participant phenotype was not available at the time of variant classification. Additional details can be found in publication PMID: 35346344, PMCID: PMC8962531

Quest Diagnostics Nichols Institute San Juan Capistrano
Classification: Uncertain significance. Last evaluated: 2023-11-21. Review status: criteria provided, single submitter. Criteria: Quest Diagnostics criteria. Collection method: clinical testing. Allele origin: unknown.
Comment: The MSH6 c.3968T>C (p.Phe1323Ser) variant has been reported in the published literature in a healthy individual during a large breast cancer association study (PMID: 33471991 (2021), see also LOVD). The frequency of this variant in the general population, 0.000032 (1/31372 chromosomes (Genome Aggregation Database)), is uninformative in the assessment of its pathogenicity. Analysis of this variant using bioinformatics tools for the prediction of the effect of amino acid changes on protein structure and function yielded predictions that this variant is damaging. Based on the available information, we are unable to determine the clinical significance of this variant.

Myriad Genetics, Inc.
Classification: Likely benign for Lynch syndrome 5. Last evaluated: 2023-11-14. Review status: criteria provided, single submitter. Criteria: Myriad Autosomal Dominant, Autosomal Recessive and X-Linked Classification Criteria (2023). Collection method: clinical testing. Allele origin: unknown.
Comment: This variant is considered likely benign. This variant is strongly associated with less severe personal and family histories of cancer, typical for individuals without pathogenic variants in this gene [PMID: 27363726].

Color Diagnostics, LLC DBA Color Health
Classification: Uncertain significance for Hereditary cancer-predisposing syndrome. Last evaluated: 2023-09-06. Review status: criteria provided, single submitter. Criteria: ACMG Guidelines, 2015. Collection method: clinical testing. Allele origin: germline.
Comment: This missense variant replaces phenylalanine with serine at codon 1323 in the MSH6 protein. Computational prediction suggests that this variant may have deleterious impact on protein structure and function (internally defined REVEL score threshold >= 0.7, PMID: 27666373). To our knowledge, functional studies have not been reported for this variant. This variant has been reported in an individual affected with breast cancer (PMID: 36200007). This variant has been identified in 1/31372 chromosomes in the general population by the Genome Aggregation Database (gnomAD). The available evidence is insufficient to determine the role of this variant in disease conclusively. Therefore, this variant is classified as a Variant of Uncertain Significance.

Baylor Genetics
Classification: Uncertain significance for Endometrial carcinoma. Last evaluated: 2023-07-04. Review status: criteria provided, single submitter. Criteria: ACMG Guidelines, 2015. Collection method: clinical testing. Allele origin: unknown.

Literature cited by the submitters: PubMed 36200007 (cited by All of Us Research Program, National Institutes of Health and Color Diagnostics, LLC DBA Color Health); PubMed 33471991 (cited by Quest Diagnostics Nichols Institute San Juan Capistrano); PubMed 27363726 (cited by Myriad Genetics, Inc.).